The following is an entry in ClinVar:

ClinVar aggregate classification (germline): Pathogenic/Likely pathogenic. Review status: criteria provided, multiple submitters, no conflicts (2 of 4 stars). 3 submissions from 3 submitters: Pathogenic (2); Likely pathogenic (1). Last evaluated 2024-12-21.

Conditions:
Early-infantile DEE. Also called: Ohtahara syndrome; Early infantile epileptic encephalopathy; Early infantile epileptic encephalopathy with suppression bursts. Identifiers: Orphanet 1934, MedGen C0393706, MONDO:0800491.
Developmental and epileptic encephalopathy, 7 (DEE7). Also called: KCNQ2-Related Neonatal Epileptic Encephalopathy; KCNQ2-Related Neonatal-Onset Developmental and Epileptic Encephalopathy (NEO-DEE); Early infantile epileptic encephalopathy 7. Identifiers: Orphanet 439218, MedGen C3150986, MONDO:0013387, OMIM 613720.

Allele frequency attached by ClinVar (database versions not stated): gnomAD exomes below 0.00001.

Submissions (3):

GeneDx
Classification: Pathogenic. Last evaluated: 2024-12-21. Review status: criteria provided, single submitter. Criteria: GeneDx Variant Classification Process June 2021. Collection method: clinical testing. Allele origin: germline. Affected: yes.
Comment: Not observed at significant frequency in large population cohorts (gnomAD); In silico analysis supports that this missense variant has a deleterious effect on protein structure/function; Has not been previously published as pathogenic or benign to our knowledge; This substitution is predicted to be within the C-terminal cytoplasmic domain

Labcorp Genetics (formerly Invitae), Labcorp
Classification: Pathogenic for Early-infantile DEE. Last evaluated: 2024-04-15. Review status: criteria provided, single submitter. Criteria: Invitae Variant Classification Sherloc (09022015). Collection method: clinical testing. Allele origin: germline.
Comment: This sequence change replaces glycine, which is neutral and non-polar, with serine, which is neutral and polar, at codon 574 of the KCNQ2 protein (p.Gly574Ser). This variant is not present in population databases (gnomAD no frequency). This missense change has been observed in individual(s) with clinical features of KCNQ2-related conditions (Invitae). In at least one individual the variant was observed to be de novo. ClinVar contains an entry for this variant (Variation ID: 1022468). An algorithm developed to predict the effect of missense changes on protein structure and function (PolyPhen-2) suggests that this variant is likely to be disruptive. This variant disrupts the p.Gly574 amino acid residue in KCNQ2. Other variant(s) that disrupt this residue have been determined to be pathogenic (PMID: 28503627). This suggests that this residue is clinically significant, and that variants that disrupt this residue are likely to be disease-causing. For these reasons, this variant has been classified as Pathogenic.

Institute of Human Genetics, University of Leipzig Medical Center
Classification: Likely pathogenic for Developmental and epileptic encephalopathy, 7. Last evaluated: 2023-06-06. Review status: criteria provided, single submitter. Criteria: ACMG Guidelines, 2015. Collection method: clinical testing. Allele origin: de novo. Inheritance: Autosomal dominant inheritance. Affected: yes.
Comment: Criteria applied: PS2_SUP,PS4_SUP,PM2_SUP,PM5_SUP,PM1,PP3

Literature cited by the submitters: PubMed 28503627 (cited by Labcorp Genetics (formerly Invitae), Labcorp).

NM_172107.4(KCNQ2):c.1720G>A (p.Gly574Ser)

Gene: KCNQ2 (potassium voltage-gated channel subfamily Q member 2; minus strand). Cytogenetic location: 20q13.33.
Variant type: single nucleotide variant.
Coding change: c.1720G>A on transcript NM_172107.4 (MANE Select); coding-DNA position 1720, G replaced by A.
Protein change: p.Gly574Ser; replaces glycine 574 with serine.
Molecular consequence: missense variant.
Genome position (GRCh38, 1-based): chr20:63,413,493, C>T on the plus strand (G>A on the coding strand, the complement: KCNQ2 is on the minus strand). VCF-style: chr20-63413493-C-T. GRCh37 (hg19) VCF-style: chr20-62044846-C-T.
Other names: c.1666G>A, p.Gly556Ser (NM_001382235.1, NM_172106.3); c.1636G>A, p.Gly546Ser (NM_004518.6); c.1627G>A, p.Gly543Ser (NM_172108.5); c.1720G>A (NM_172107.2); short protein forms G543S, G546S, G556S, G574S.
Identifiers: ClinVar variation 1022468 (VCV001022468.13), dbSNP rs2080187424, ClinGen allele CA409643553.